The following is an entry in ClinVar:

NM_014915.3(ANKRD26):c.3370A>G (p.Lys1124Glu)

Gene: ANKRD26 (ankyrin repeat domain containing 26; minus strand). Cytogenetic location: 10p12.1.
Variant type: single nucleotide variant.
Coding change: c.3370A>G on transcript NM_014915.3 (MANE Select); coding-DNA position 3370, A replaced by G.
Protein change: p.Lys1124Glu; replaces lysine 1124 with glutamic acid.
Molecular consequence: missense variant.
Genome position (GRCh38, 1-based): chr10:27,035,080, T>C on the plus strand (A>G on the coding strand, the complement: ANKRD26 is on the minus strand). VCF-style: chr10-27035080-T-C. GRCh37 (hg19) VCF-style: chr10-27324009-T-C.
Other names: c.3367A>G, p.Lys1123Glu (NM_001256053.2); short protein forms K1124E, K1123E.
Identifiers: ClinVar variation 4104622 (VCV004104622.1).

ClinVar aggregate classification (germline): Uncertain significance (1 of 4 stars; one submission).

Conditions:
Inborn genetic diseases. Identifiers: MedGen C0950123, MeSH D030342.

gnomAD v4.1: 2 of 1,613,332 alleles (0.00012%); highest among the groups gnomAD compares: East Asian, 0.0022%; no homozygotes.

Submission:

Ambry Genetics
Classification: Uncertain significance for Inborn genetic diseases. Last evaluated: 2025-08-31. Review status: criteria provided, single submitter. Criteria: Ambry Variant Classification Scheme 2023. Collection method: clinical testing. Allele origin: germline.
Comment: The p.K1124E variant (also known as c.3370A>G), located in coding exon 24 of the ANKRD26 gene, results from an A to G substitution at nucleotide position 3370. The lysine at codon 1124 is replaced by glutamic acid, an amino acid with similar properties. This amino acid position is conserved. In addition, this alteration is predicted to be tolerated by in silico analysis. Based on the available evidence, the clinical significance of this variant remains unclear.